The following is an entry in ClinVar:

ClinVar aggregate classification (germline): Conflicting classifications of pathogenicity. Review status: criteria provided, conflicting classifications (1 of 4 stars). 4 submissions from 4 submitters: Uncertain significance (3); Likely benign (1). Last evaluated 2024-10-17.

Conditions:
Inborn genetic diseases. Identifiers: MedGen C0950123, MeSH D030342.

Allele frequency attached by ClinVar (database versions not stated): ExAC 0.00003; TOPMed 0.00003; gnomAD 0.00005.
gnomAD v4.1: 96 of 1,614,000 alleles (0.0059%); highest among the groups gnomAD compares: Non-Finnish European, 0.0074%; no homozygotes.

Submissions (4):

Ambry Genetics
Classification: Uncertain significance for Inborn genetic diseases. Last evaluated: 2024-10-17. Review status: criteria provided, single submitter. Criteria: Ambry Variant Classification Scheme 2023. Collection method: clinical testing. Allele origin: germline.
Comment: The p.R353Q variant (also known as c.1058G>A), located in coding exon 6 of the ETV6 gene, results from a G to A substitution at nucleotide position 1058. The arginine at codon 353 is replaced by glutamine, an amino acid with highly similar properties. This variant has been reported in an individuals with ETV6-related disease as well as healthy controls (Moriyama T et al. Lancet Oncol, 2015 Dec;16:1659-66; Li ST et al. Leukemia, 2020 Jun;34:1675-1678). This amino acid position is highly conserved in available vertebrate species. In addition, this alteration is predicted to be tolerated by in silico analysis. Based on the available evidence, the clinical significance of this variant remains unclear.

ARUP Laboratories, Molecular Genetics and Genomics, ARUP Laboratories
Classification: Likely benign. Last evaluated: 2024-09-24. Review status: criteria provided, single submitter. Criteria: ARUP Molecular Germline Variant Investigation Process 2024. Collection method: clinical testing. Allele origin: germline.

Labcorp Genetics (formerly Invitae), Labcorp
Classification: Uncertain significance. Last evaluated: 2024-08-04. Review status: criteria provided, single submitter. Criteria: Invitae Variant Classification Sherloc (09022015). Collection method: clinical testing. Allele origin: germline.
Comment: This sequence change replaces arginine, which is basic and polar, with glutamine, which is neutral and polar, at codon 353 of the ETV6 protein (p.Arg353Gln). This variant is present in population databases (rs777974779, gnomAD 0.006%). This missense change has been observed in individual(s) with acute lymphoblastic leukemia (PMID: 26522332). ClinVar contains an entry for this variant (Variation ID: 2137299). Advanced modeling of protein sequence and biophysical properties (such as structural, functional, and spatial information, amino acid conservation, physicochemical variation, residue mobility, and thermodynamic stability) has been performed at Invitae for this missense variant, however the output from this modeling did not meet the statistical confidence thresholds required to predict the impact of this variant on ETV6 protein function. In summary, the available evidence is currently insufficient to determine the role of this variant in disease. Therefore, it has been classified as a Variant of Uncertain Significance.

GeneDx
Classification: Uncertain significance. Last evaluated: 2023-10-25. Review status: criteria provided, single submitter. Criteria: GeneDx Variant Classification Process June 2021. Collection method: clinical testing. Allele origin: germline. Affected: yes.
Comment: In silico analysis supports that this missense variant has a deleterious effect on protein structure/function; Observed in individuals with acute lymphoblastic leukemia (PMID: 26522332, 32693409); Published functional studies demonstrate transcription repressor activity similar to wild-type (PMID: 32693409); This variant is associated with the following publications: (PMID: 32693409, Maierhofer2020[abstract], 31911633, 26522332, 28555414, 28637624)

Literature cited by the submitters: PubMed 26522332 (cited by Ambry Genetics and Labcorp Genetics (formerly Invitae), Labcorp); PubMed 31911633 (cited by Ambry Genetics).

NM_001987.5(ETV6):c.1058G>A (p.Arg353Gln)

Genes: ETV6 (ETS variant transcription factor 6; plus strand), LOC126861452 (CDK7 strongly-dependent group 2 enhancer GRCh37_chr12:12037195-12038394; plus strand). Cytogenetic location: 12p13.2.
Variant type: single nucleotide variant.
Coding change: c.1058G>A on transcript NM_001987.5 (MANE Select); coding-DNA position 1058, G replaced by A.
Protein change: p.Arg353Gln; replaces arginine 353 with glutamine.
Molecular consequence: missense variant.
Genome position (GRCh38, 1-based): chr12:11,884,493, G>A. VCF-style: chr12-11884493-G-A. GRCh37 (hg19) VCF-style: chr12-12037427-G-A.
Other names: c.1031G>A, p.Arg344Gln (NM_001413914.1); c.794G>A, p.Arg265Gln (NM_001413915.1); c.1055G>A, p.Arg352Gln (NM_001413913.1); short protein forms R352Q, R353Q, R265Q, R344Q.
Identifiers: ClinVar variation 2137299 (VCV002137299.8), dbSNP rs777974779, ClinGen allele CA6454394.